The following is an entry in ClinVar:

NM_015378.4(VPS13D):c.1801+6T>A

Gene: VPS13D (vacuolar protein sorting 13 homolog D; plus strand). Cytogenetic location: 1p36.22.
Variant type: single nucleotide variant.
Coding change: c.1801+6T>A on transcript NM_015378.4 (MANE Select); 6 bases into the intron after coding-DNA position 1801, T replaced by A.
Molecular consequence: intron variant.
Genome position (GRCh38, 1-based): chr1:12,267,926, T>A. VCF-style: chr1-12267926-T-A. GRCh37 (hg19) VCF-style: chr1-12327983-T-A.
Other names: c.1801+6T>A (NM_018156.4).
Identifiers: ClinVar variation 1879076 (VCV001879076.29), dbSNP rs1641321214, ClinGen allele CA2580060549.
Genomic context (GRCh38, chr1:12,267,926, plus strand): 5'-TCACAATCTTTTGGTCTACAAACTACATCTGCAGACAGAAGTGATCATTACCCAGGTAAT[T>A]TGTCCTATGTTGTTTTTTTAAAATTTTTAAATTTTTTAAATTAATTTTTCTTTGAGACAG-3'

ClinVar aggregate classification (germline): Uncertain significance (1 of 4 stars; one submission).

Submission:

CeGaT Center for Human Genetics Tuebingen
Classification: Uncertain significance. Last evaluated: 2022-11-01. Review status: criteria provided, single submitter. Criteria: CeGaT Center For Human Genetics Tuebingen Variant Classification Criteria Version 2. Collection method: clinical testing. Allele origin: germline. Affected: yes. Observed: 1 variant allele.
Comment: VPS13D: PM2, BP4